The following is an entry in ClinVar:

NM_001042492.3(NF1):c.3878G>T (p.Gly1293Val)

Gene: NF1 (neurofibromin 1; plus strand). Cytogenetic location: 17q11.2.
Variant type: single nucleotide variant.
Coding change: c.3878G>T on transcript NM_001042492.3 (MANE Select); coding-DNA position 3878, G replaced by T.
Protein change: p.Gly1293Val; replaces glycine 1293 with valine.
Molecular consequence: missense variant.
Genome position (GRCh38, 1-based): chr17:31,235,925, G>T. VCF-style: chr17-31235925-G-T. GRCh37 (hg19) VCF-style: chr17-29562943-G-T.
Other names: c.3878G>T, p.Gly1293Val (NM_000267.4); short protein forms G1293V.
Identifiers: ClinVar variation 3613741 (VCV003613741.4).

ClinVar aggregate classification (germline): Uncertain significance. Review status: criteria provided, multiple submitters, no conflicts (2 of 4 stars). 2 submissions from 2 submitters: Uncertain significance (2). Last evaluated 2026-09-11.

Conditions:
Neurofibromatosis, type 1 (NF1). Also called: Peripheral type neurofibromatosis; VON RECKLINGHAUSEN DISEASE; NEUROFIBROMATOSIS, TYPE I, SOMATIC; Neurofibromatosis, type I. Identifiers: Orphanet 636, MedGen C0027831, MONDO:0018975, OMIM 162200. Disease mechanism: loss of function.
Hereditary cancer-predisposing syndrome. Also called: Hereditary neoplastic syndrome; Neoplastic Syndromes, Hereditary; Tumor predisposition; Hereditary Cancer Syndrome. Identifiers: Orphanet 140162, MedGen C0027672, MeSH D009386, MONDO:0015356.
Cardiovascular phenotype. Identifiers: MedGen CN230736.

Submissions (2):

Ambry Genetics
Classification: Uncertain significance for Cardiovascular phenotype; Hereditary cancer-predisposing syndrome. Last evaluated: 2026-09-11. Review status: criteria provided, single submitter. Criteria: Ambry Variant Classification Scheme 2023. Collection method: clinical testing. Allele origin: germline.
Comment: The p.G1293V variant (also known as c.3878G>T), located in coding exon 29 of the NF1 gene, results from a G to T substitution at nucleotide position 3878. The glycine at codon 1293 is replaced by valine, an amino acid with dissimilar properties. This amino acid position is conserved. In addition, this alteration is predicted to be deleterious by in silico analysis. Based on the available evidence, the clinical significance of this variant remains unclear.

Labcorp Genetics (formerly Invitae), Labcorp
Classification: Uncertain significance for Neurofibromatosis, type 1. Last evaluated: 2024-10-15. Review status: criteria provided, single submitter. Criteria: Invitae Variant Classification Sherloc (09022015). Collection method: clinical testing. Allele origin: germline.
Comment: This sequence change replaces glycine, which is neutral and non-polar, with valine, which is neutral and non-polar, at codon 1293 of the NF1 protein (p.Gly1293Val). This variant is not present in population databases (gnomAD no frequency). This variant has not been reported in the literature in individuals affected with NF1-related conditions. Invitae Evidence Modeling of protein sequence and biophysical properties (such as structural, functional, and spatial information, amino acid conservation, physicochemical variation, residue mobility, and thermodynamic stability) indicates that this missense variant is expected to disrupt NF1 protein function with a positive predictive value of 95%. In summary, the available evidence is currently insufficient to determine the role of this variant in disease. Therefore, it has been classified as a Variant of Uncertain Significance.